The following is an entry in ClinVar:

NM_001458.5(FLNC):c.5285del (p.Arg1762fs)

Gene: FLNC (filamin C; plus strand). Cytogenetic location: 7q32.1.
Variant type: Deletion.
Coding change: c.5285del on transcript NM_001458.5 (MANE Select); coding-DNA position 5285, one base deleted (G; older notation c.5285delG).
Protein change: p.Arg1762fs; shifts the reading frame from arginine 1762.
Molecular consequence: frameshift variant. On other transcripts: intron variant (1).
Genome position (GRCh38, 1-based): chr7:128,850,061, G deleted. VCF-style (leftmost placement, unchanged base first): chr7-128850060-CG-C. GRCh37 (hg19) VCF-style: chr7-128490114-CG-C.
Other names: c.5200-323del (NM_001127487.2); short protein forms R1762fs.
Identifiers: ClinVar variation 976469 (VCV000976469.1), dbSNP rs1808742803, ClinGen allele CA1139660257.
Genomic context (GRCh38, chr7:128,850,060, plus strand): 5'-GAGGAGCCCTCTGAAGTGCCACAGCTGCGCCAGCCCTACGCTCCTCCCCGGCCCGGCGCC[CG>C]CCCCACACACTGGGTACTGCGCCTCCCACCAGGCGATGTCCTCCTCCTCCTCCCCTTCCT-3'

ClinVar aggregate classification (germline): Likely pathogenic (0 of 4 stars; one submission).

Conditions:
FLNC-associated cardiomyopathy.

Submission:

Clinical Genomics Laboratory, Stanford Medicine
Classification: Likely pathogenic for FLNC-associated cardiomyopathy. Last evaluated: 2019-10-16. Review status: no assertion criteria provided. Collection method: clinical testing. Allele origin: germline. Inheritance: Autosomal dominant inheritance. Affected: yes.
Comment: The p.Arg1762Profs*21 variant in the FLNC gene has not been previously reported in association with disease. This variant was absent from large population databases, including the Genome Aggregation Database. The p.Arg1762Profs*21 variant results in a 1 bp deletion, which causes a shift in the protein reading frame, leading to a premature termination codon 21 amino acids downstream. Heterozygous loss of function is an established mechanism of disease for the FLNC gene. These data were assessed using the ACMG/AMP variant interpretation guidelines. In summary, there is sufficient evidence to classify the p.Arg1762Profs*21 variant as likely pathogenic for FLNC-associated cardiomyopathy in an autosomal dominant manner based on the information above. [ACMG evidence codes used: PVS1; PM2]